The following is an entry in ClinVar:

ClinVar aggregate classification (germline): Uncertain significance (0 of 4 stars; one submission).

Submission:

Martin Pollak Laboratory,  Beth Israel Deaconess Medical Center
Classification: Uncertain significance. Review status: no assertion criteria provided. Collection method: not provided. Allele origin: unknown.
Comment: Lower UCa2+ group
ClinVar note: Converted during submission from unknown to Uncertain significance.

NM_003040.4(SLC4A2):c.237C>T (p.His79=)

Gene: SLC4A2 (solute carrier family 4 member 2; plus strand). Cytogenetic location: 7q36.1.
Variant type: single nucleotide variant.
Coding change: c.237C>T on transcript NM_003040.4 (MANE Select); coding-DNA position 237, C replaced by T.
Protein change: p.His79=; no amino-acid change (histidine 79 retained).
Molecular consequence: synonymous variant.
Genome position (GRCh38, 1-based): chr7:151,064,545, C>T. VCF-style: chr7-151064545-C-T. GRCh37 (hg19) VCF-style: chr7-150761632-C-T.
Other names: c.237C>T, p.His79= (NM_001199692.3); c.210C>T, p.His70= (NM_001199693.1); c.195C>T, p.His65= (NM_001199694.2).
Identifiers: ClinVar variation 64509 (VCV000064509.2), dbSNP rs387907523, ClinGen allele CA216307.